The following is an entry in ClinVar:

NM_000059.4(BRCA2):c.8983G>A (p.Asp2995Asn)

Gene: BRCA2 (BRCA2 DNA repair associated; plus strand). Cytogenetic location: 13q13.1.
Variant type: single nucleotide variant.
Coding change: c.8983G>A on transcript NM_000059.4 (MANE Select); coding-DNA position 8983, G replaced by A.
Protein change: p.Asp2995Asn; replaces aspartic acid 2995 with asparagine.
Molecular consequence: missense variant.
Genome position (GRCh38, 1-based): chr13:32,379,779, G>A. VCF-style: chr13-32379779-G-A. GRCh37 (hg19) VCF-style: chr13-32953916-G-A.
Other names: short protein forms D2995N.
Identifiers: ClinVar variation 1417642 (VCV001417642.6), dbSNP rs2137622236, ClinGen allele CA387757409.

ClinVar aggregate classification (germline): Uncertain significance (1 of 4 stars; one submission).

Conditions:
Hereditary breast ovarian cancer syndrome. Also called: Hereditary breast and ovarian cancer syndrome (HBOC); Breast and ovarian cancer; Hereditary breast and ovarian cancer syndrome; Hereditary breast and/or ovarian cancer syndrome; BRCA1- and BRCA2-Associated Hereditary Breast and Ovarian Cancer; Hereditary breast and ovarian cancer. Identifiers: Orphanet 145, MedGen C0677776, MeSH D061325, MONDO:0003582. Disease mechanism: loss of function.

Submission:

Labcorp Genetics (formerly Invitae), Labcorp
Classification: Uncertain significance for Hereditary breast ovarian cancer syndrome. Last evaluated: 2021-12-04. Review status: criteria provided, single submitter. Criteria: Invitae Variant Classification Sherloc (09022015). Collection method: clinical testing. Allele origin: germline.
Comment: In summary, the available evidence is currently insufficient to determine the role of this variant in disease. Therefore, it has been classified as a Variant of Uncertain Significance. Advanced modeling of protein sequence and biophysical properties (such as structural, functional, and spatial information, amino acid conservation, physicochemical variation, residue mobility, and thermodynamic stability) performed at Invitae indicates that this missense variant is not expected to disrupt BRCA2 protein function. This variant has not been reported in the literature in individuals affected with BRCA2-related conditions. This variant is not present in population databases (gnomAD no frequency). This sequence change replaces aspartic acid, which is acidic and polar, with asparagine, which is neutral and polar, at codon 2995 of the BRCA2 protein (p.Asp2995Asn).